The following is an entry in ClinVar:

ClinVar aggregate classification (germline): Uncertain significance (1 of 4 stars; one submission).

Allele frequency attached by ClinVar (database versions not stated): gnomAD exomes below 0.00001; gnomAD 0.00003; TOPMed 0.00005.
gnomAD v4.1: 10 of 1,614,010 alleles (0.00062%); highest among the groups gnomAD compares: African/African-American, 0.012%; no homozygotes.

Submission:

Labcorp Genetics (formerly Invitae), Labcorp
Classification: Uncertain significance. Last evaluated: 2021-04-21. Review status: criteria provided, single submitter. Criteria: Invitae Variant Classification Sherloc (09022015). Collection method: clinical testing. Allele origin: germline.
Comment: This variant is not present in population databases (ExAC no frequency). This sequence change replaces asparagine with lysine at codon 1049 of the MYO5B protein (p.Asn1049Lys). The asparagine residue is moderately conserved and there is a moderate physicochemical difference between asparagine and lysine. This variant has not been reported in the literature in individuals with MYO5B-related conditions. In summary, the available evidence is currently insufficient to determine the role of this variant in disease. Therefore, it has been classified as a Variant of Uncertain Significance. Algorithms developed to predict the effect of missense changes on protein structure and function (SIFT, PolyPhen-2, Align-GVGD) all suggest that this variant is likely to be tolerated, but these predictions have not been confirmed by published functional studies and their clinical significance is uncertain.

NM_001080467.3(MYO5B):c.3147C>G (p.Asn1049Lys)

Gene: MYO5B (myosin VB; minus strand). Cytogenetic location: 18q21.1.
Variant type: single nucleotide variant.
Coding change: c.3147C>G on transcript NM_001080467.3 (MANE Select); coding-DNA position 3147, C replaced by G.
Protein change: p.Asn1049Lys; replaces asparagine 1049 with lysine.
Molecular consequence: missense variant.
Genome position (GRCh38, 1-based): chr18:49,879,074, G>C on the plus strand (C>G on the coding strand, the complement: MYO5B is on the minus strand). VCF-style: chr18-49879074-G-C. GRCh37 (hg19) VCF-style: chr18-47405444-G-C.
Other names: short protein forms N1049K.
Identifiers: ClinVar variation 1482403 (VCV001482403.8), dbSNP rs61737445, ClinGen allele CA299977290.
Genomic context (GRCh38, chr18:49,879,074, plus strand): 5'-GTTCTGGTACCGGGATCGCTCCTCCTCCAGTTCTTTCTTCATGAGATTTTCCTTCACAGA[G>C]TTCTGGGCAAATTCATCTGGAAAGCAACACGCTAAGCTGCAGTTTTTCTGGATGGATTCC-3'
Protein context (NP_001073936.1, residues 1039-1059): LCQSKDEFAQ[Asn1049Lys]SVKENLMKKE